The following is an entry in ClinVar:

ClinVar aggregate classification (germline): Uncertain significance (1 of 4 stars; one submission).

Submission:

Labcorp Genetics (formerly Invitae), Labcorp
Classification: Uncertain significance. Last evaluated: 2024-01-24. Review status: criteria provided, single submitter. Criteria: Invitae Variant Classification Sherloc (09022015). Collection method: clinical testing. Allele origin: germline.
Comment: This sequence change replaces alanine, which is neutral and non-polar, with aspartic acid, which is acidic and polar, at codon 1353 of the ADGRV1 protein (p.Ala1353Asp). This variant is not present in population databases (gnomAD no frequency). This variant has not been reported in the literature in individuals affected with ADGRV1-related conditions. ClinVar contains an entry for this variant (Variation ID: 2015546). Advanced modeling of protein sequence and biophysical properties (such as structural, functional, and spatial information, amino acid conservation, physicochemical variation, residue mobility, and thermodynamic stability) performed at Invitae indicates that this missense variant is not expected to disrupt ADGRV1 protein function with a negative predictive value of 95%. In summary, the available evidence is currently insufficient to determine the role of this variant in disease. Therefore, it has been classified as a Variant of Uncertain Significance.

NM_032119.4(ADGRV1):c.4058C>A (p.Ala1353Asp)

Gene: ADGRV1 (adhesion G protein-coupled receptor V1; plus strand). Cytogenetic location: 5q14.3.
Variant type: single nucleotide variant.
Coding change: c.4058C>A on transcript NM_032119.4 (MANE Select); coding-DNA position 4058, C replaced by A.
Protein change: p.Ala1353Asp; replaces alanine 1353 with aspartic acid.
Molecular consequence: missense variant. On other transcripts: non-coding transcript variant (1).
Genome position (GRCh38, 1-based): chr5:90,653,632, C>A. VCF-style: chr5-90653632-C-A. GRCh37 (hg19) VCF-style: chr5-89949449-C-A.
Other names: short protein forms A1353D.
Identifiers: ClinVar variation 2015546 (VCV002015546.4), dbSNP rs2532089670, ClinGen allele CA360401134.